The following is an entry in ClinVar:

ClinVar aggregate classification (germline): Uncertain significance. Review status: criteria provided, multiple submitters, no conflicts (2 of 4 stars). 2 submissions from 2 submitters: Uncertain significance (2). Last evaluated 2025-05-18.

Conditions:
Gastrointestinal stromal tumor. Also called: Gastrointestinal stromal tumor, somatic; Gastrointestinal stroma tumor. Identifiers: Orphanet 44890, MedGen C0238198, MeSH D046152, MONDO:0011719, OMIM 606764, HP:0100723.
Hereditary cancer-predisposing syndrome. Also called: Tumor predisposition; Neoplastic Syndromes, Hereditary; Hereditary Cancer Syndrome; Hereditary neoplastic syndrome. Identifiers: Orphanet 140162, MedGen C0027672, MeSH D009386, MONDO:0015356.

Allele frequency attached by ClinVar (database versions not stated): gnomAD exomes below 0.00001 and 0.00001; ExAC 0.00001.
gnomAD v4.1: 10 of 1,612,484 alleles (0.00062%); highest among the groups gnomAD compares: Non-Finnish European, 0.00076%; no homozygotes.

Submissions (2):

Ambry Genetics
Classification: Uncertain significance for Hereditary cancer-predisposing syndrome. Last evaluated: 2025-05-18. Review status: criteria provided, single submitter. Criteria: Ambry Variant Classification Scheme 2023. Collection method: clinical testing. Allele origin: germline.
Comment: The p.E387Q variant (also known as c.1159G>C), located in coding exon 7 of the PDGFRA gene, results from a G to C substitution at nucleotide position 1159. The glutamic acid at codon 387 is replaced by glutamine, an amino acid with highly similar properties. This amino acid position is conserved. In addition, the in silico prediction for this alteration is inconclusive. Since supporting evidence is limited at this time, the clinical significance of this alteration remains unclear.

Labcorp Genetics (formerly Invitae), Labcorp
Classification: Uncertain significance for Gastrointestinal stromal tumor. Last evaluated: 2023-04-15. Review status: criteria provided, single submitter. Criteria: Invitae Variant Classification Sherloc (09022015). Collection method: clinical testing. Allele origin: germline.
Comment: This variant is present in population databases (rs757529905, gnomAD 0.0009%). This sequence change replaces glutamic acid, which is acidic and polar, with glutamine, which is neutral and polar, at codon 387 of the PDGFRA protein (p.Glu387Gln). Advanced modeling of protein sequence and biophysical properties (such as structural, functional, and spatial information, amino acid conservation, physicochemical variation, residue mobility, and thermodynamic stability) performed at Invitae indicates that this missense variant is not expected to disrupt PDGFRA protein function. In summary, the available evidence is currently insufficient to determine the role of this variant in disease. Therefore, it has been classified as a Variant of Uncertain Significance. This variant has not been reported in the literature in individuals affected with PDGFRA-related conditions. ClinVar contains an entry for this variant (Variation ID: 1504662).

NM_006206.6(PDGFRA):c.1159G>C (p.Glu387Gln)

Gene: PDGFRA (platelet derived growth factor receptor alpha; plus strand). Cytogenetic location: 4q12.
Variant type: single nucleotide variant.
Coding change: c.1159G>C on transcript NM_006206.6 (MANE Select); coding-DNA position 1159, G replaced by C.
Protein change: p.Glu387Gln; replaces glutamic acid 387 with glutamine.
Molecular consequence: missense variant.
Genome position (GRCh38, 1-based): chr4:54,270,670, G>C. VCF-style: chr4-54270670-G-C. GRCh37 (hg19) VCF-style: chr4-55136837-G-C.
Other names: c.1159G>C, p.Glu387Gln (NM_001347827.2, NM_001347829.2); c.1234G>C, p.Glu412Gln (NM_001347828.2); c.1198G>C, p.Glu400Gln (NM_001347830.2); short protein forms E387Q, E400Q, E412Q.
Identifiers: ClinVar variation 1504662 (VCV001504662.9), dbSNP rs757529905, ClinGen allele CA2922482.